The following is an entry in ClinVar:

NM_000059.4(BRCA2):c.8920A>G (p.Ile2974Val)

Gene: BRCA2 (BRCA2 DNA repair associated; plus strand). Cytogenetic location: 13q13.1.
Variant type: single nucleotide variant.
Coding change: c.8920A>G on transcript NM_000059.4 (MANE Select); coding-DNA position 8920, A replaced by G.
Protein change: p.Ile2974Val; replaces isoleucine 2974 with valine.
Molecular consequence: missense variant.
Genome position (GRCh38, 1-based): chr13:32,379,482, A>G. VCF-style: chr13-32379482-A-G. GRCh37 (hg19) VCF-style: chr13-32953619-A-G.
Other names: short protein forms I2974V.
Identifiers: ClinVar variation 581023 (VCV000581023.13), dbSNP rs1197950867, ClinGen allele CA387757280.

ClinVar aggregate classification (germline): Conflicting classifications of pathogenicity. Review status: criteria provided, conflicting classifications (1 of 4 stars). 2 submissions from 2 submitters: Uncertain significance (1); Likely benign (1). Last evaluated 2023-07-17.

Conditions:
Hereditary breast ovarian cancer syndrome. Also called: Hereditary breast and ovarian cancer syndrome; Hereditary breast and ovarian cancer syndrome (HBOC); BRCA1- and BRCA2-Associated Hereditary Breast and Ovarian Cancer; Hereditary breast and/or ovarian cancer syndrome; Hereditary breast and ovarian cancer; Breast and ovarian cancer. Identifiers: Orphanet 145, MedGen C0677776, MeSH D061325, MONDO:0003582. Disease mechanism: loss of function.
Hereditary cancer-predisposing syndrome. Also called: Neoplastic Syndromes, Hereditary; Tumor predisposition; Hereditary neoplastic syndrome; Hereditary Cancer Syndrome. Identifiers: Orphanet 140162, MedGen C0027672, MeSH D009386, MONDO:0015356.

Allele frequency attached by ClinVar (database versions not stated): gnomAD exomes below 0.00001; TOPMed 0.00001.
gnomAD v4.1: 1 of 1,613,274 alleles (0.000062%); highest among the groups gnomAD compares: South Asian, 0.0011%; no homozygotes.

Submissions (2):

Labcorp Genetics (formerly Invitae), Labcorp
Classification: Uncertain significance for Hereditary breast ovarian cancer syndrome. Last evaluated: 2023-07-17. Review status: criteria provided, single submitter. Criteria: Invitae Variant Classification Sherloc (09022015). Collection method: clinical testing. Allele origin: germline.
Comment: This variant is not present in population databases (gnomAD no frequency). In summary, the available evidence is currently insufficient to determine the role of this variant in disease. Therefore, it has been classified as a Variant of Uncertain Significance. Advanced modeling of protein sequence and biophysical properties (such as structural, functional, and spatial information, amino acid conservation, physicochemical variation, residue mobility, and thermodynamic stability) performed at Invitae indicates that this missense variant is not expected to disrupt BRCA2 protein function. ClinVar contains an entry for this variant (Variation ID: 581023). This variant has not been reported in the literature in individuals affected with BRCA2-related conditions. This sequence change replaces isoleucine, which is neutral and non-polar, with valine, which is neutral and non-polar, at codon 2974 of the BRCA2 protein (p.Ile2974Val).

Ambry Genetics
Classification: Likely benign for Hereditary cancer-predisposing syndrome. Last evaluated: 2020-01-28. Review status: criteria provided, single submitter. Criteria: Ambry Variant Classification Scheme 2023. Collection method: clinical testing. Allele origin: germline.